The following is an entry in ClinVar:

ClinVar aggregate classification (germline): Pathogenic (1 of 4 stars; one submission).

Conditions:
Kabuki syndrome. Also called: Kabuki make-up syndrome; NIIKAWA-KUROKI SYNDROME. Identifiers: Orphanet 2322, MedGen C0796004, MONDO:0016512.

Submission:

Labcorp Genetics (formerly Invitae), Labcorp
Classification: Pathogenic for Kabuki syndrome. Last evaluated: 2024-01-18. Review status: criteria provided, single submitter. Criteria: Invitae Variant Classification Sherloc (09022015). Collection method: clinical testing. Allele origin: germline.
Comment: This sequence change creates a premature translational stop signal (p.Arg2771Aspfs*16) in the KMT2D gene. It is expected to result in an absent or disrupted protein product. Loss-of-function variants in KMT2D are known to be pathogenic (PMID: 22126750). This variant is not present in population databases (gnomAD no frequency). This variant has not been reported in the literature in individuals affected with KMT2D-related conditions. For these reasons, this variant has been classified as Pathogenic.

Literature cited by the submitters: PubMed 22126750.

NM_003482.4(KMT2D):c.8311del (p.Arg2771fs)

Gene: KMT2D (lysine methyltransferase 2D; minus strand). Cytogenetic location: 12q13.12.
Variant type: Deletion.
Coding change: c.8311del on transcript NM_003482.4 (MANE Select); coding-DNA position 8311, one base deleted (C; older notation c.8311delC).
Protein change: p.Arg2771fs; shifts the reading frame from arginine 2771.
Molecular consequence: frameshift variant.
Genome position (GRCh38, 1-based): chr12:49,039,277, G deleted on the plus strand (C on the coding strand, the reverse complement: KMT2D is on the minus strand); the first of 2 consecutive G bases (chr12:49,039,277-49,039,278); deleting either gives the same sequence. VCF-style (leftmost placement, unchanged base first): chr12-49039276-CG-C. GRCh37 (hg19) VCF-style: chr12-49433059-CG-C.
Other names: short protein forms R2771fs.
Identifiers: ClinVar variation 2710158 (VCV002710158.3), dbSNP rs2498391189, ClinGen allele CA2697559197.
Genomic context (GRCh38, chr12:49,039,276, plus strand): 5'-CCTCACCGGCTGTTCACATCCATAGAGGAAGGCGTGGCTGGTGGAGGTGGCCGGGAGAGT[CG>C]GTCATCGCTAGGGAAGGACCCTGGCCCCAGGATGGGGCCACTCAGCTTGCTTGGGGGCAA-3'